The following is an entry in ClinVar:

ClinVar aggregate classification (germline): Uncertain significance (1 of 4 stars; one submission).

Conditions:
Trichorhinophalangeal dysplasia type I (TRPS1). Also called: TRICHORHINOPHALANGEAL SYNDROME, TYPE I; TRPS I. Identifiers: Orphanet 77258, MedGen C0432233, MONDO:0008596, OMIM 190350.
Trichorhinophalangeal syndrome, type III (TRPS3). Also called: SUGIO-KAJII SYNDROME. Identifiers: Orphanet 77258, MedGen C1860823, OMIM 190351, MONDO:0008597.

gnomAD v4.1: 10 of 1,596,876 alleles (0.00063%); highest among the groups gnomAD compares: Middle Eastern, 0.017%; no homozygotes.

Submission:

Labcorp Genetics (formerly Invitae), Labcorp
Classification: Uncertain significance for Trichorhinophalangeal syndrome, type III; Trichorhinophalangeal dysplasia type I. Last evaluated: 2025-05-06. Review status: criteria provided, single submitter. Criteria: Invitae Variant Classification Sherloc (09022015). Collection method: clinical testing. Allele origin: germline.
Comment: This sequence change replaces serine, which is neutral and polar, with asparagine, which is neutral and polar, at codon 991 of the TRPS1 protein (p.Ser991Asn). This variant is present in population databases (rs370396855, gnomAD 0.004%). This variant has not been reported in the literature in individuals affected with TRPS1-related conditions. Invitae Evidence Modeling of protein sequence and biophysical properties (such as structural, functional, and spatial information, amino acid conservation, physicochemical variation, residue mobility, and thermodynamic stability) indicates that this missense variant is not expected to disrupt TRPS1 protein function with a negative predictive value of 80%. In summary, the available evidence is currently insufficient to determine the role of this variant in disease. Therefore, it has been classified as a Variant of Uncertain Significance.

NM_014112.5(TRPS1):c.2972G>A (p.Ser991Asn)

Gene: TRPS1 (transcriptional repressor GATA binding 1; minus strand). Cytogenetic location: 8q23.3.
Variant type: single nucleotide variant.
Coding change: c.2972G>A on transcript NM_014112.5 (MANE Select); coding-DNA position 2972, G replaced by A.
Protein change: p.Ser991Asn; replaces serine 991 with asparagine.
Molecular consequence: missense variant.
Genome position (GRCh38, 1-based): chr8:115,414,936, C>T on the plus strand (G>A on the coding strand, the complement: TRPS1 is on the minus strand). VCF-style: chr8-115414936-C-T. GRCh37 (hg19) VCF-style: chr8-116427164-C-T.
Other names: c.2945G>A, p.Ser982Asn (NM_001282902.3); c.2951G>A, p.Ser984Asn (NM_001282903.3); c.2933G>A, p.Ser978Asn (NM_001330599.2); short protein forms S982N, S984N, S991N, S978N.
Identifiers: ClinVar variation 4791181 (VCV004791181.1).